The following is an entry in ClinVar:

NM_001035.3(RYR2):c.11552A>C (p.Asn3851Thr)

Gene: RYR2 (ryanodine receptor 2; plus strand). Cytogenetic location: 1q43.
Variant type: single nucleotide variant.
Coding change: c.11552A>C on transcript NM_001035.3 (MANE Select); coding-DNA position 11552, A replaced by C.
Protein change: p.Asn3851Thr; replaces asparagine 3851 with threonine.
Molecular consequence: missense variant.
Genome position (GRCh38, 1-based): chr1:237,770,882, A>C. VCF-style: chr1-237770882-A-C. GRCh37 (hg19) VCF-style: chr1-237934182-A-C.
Other names: short protein forms N3851T.
Identifiers: ClinVar variation 3791629 (VCV003791629.1).
Genomic context (GRCh38, chr1:237,770,882, plus strand): 5'-AGGACGATGAGTTCACCTGTGACCTCTTCCGATTCCTGCAACTACTCTGTGAGGGACACA[A>C]CTCAGGTTTGTGAGTCCCCGGAACTTCTGATGATACTAAGGCATAAATAATGTTTTCAAG-3'
Protein context (NP_001026.2, residues 3841-3861): RFLQLLCEGH[Asn3851Thr]SDFQNYLRTQ

ClinVar aggregate classification (germline): Uncertain significance (1 of 4 stars; one submission).

Conditions:
Cardiovascular phenotype. Identifiers: MedGen CN230736.

Submission:

Ambry Genetics
Classification: Uncertain significance for Cardiovascular phenotype. Last evaluated: 2025-03-06. Review status: criteria provided, single submitter. Criteria: Ambry Variant Classification Scheme 2023. Collection method: clinical testing. Allele origin: germline.
Comment: The p.N3851T variant (also known as c.11552A>C), located in coding exon 85 of the RYR2 gene, results from an A to C substitution at nucleotide position 11552. The asparagine at codon 3851 is replaced by threonine, an amino acid with similar properties. This amino acid position is well conserved in available vertebrate species. In addition, this alteration is predicted to be tolerated by in silico analysis. Based on the available evidence, the clinical significance of this variant remains unclear.